The following is an entry in ClinVar:

NM_001918.5(DBT):c.6T>A (p.Ala2=)

Gene: DBT (dihydrolipoamide branched chain transacylase E2; minus strand). Cytogenetic location: 1p21.2.
Variant type: single nucleotide variant.
Coding change: c.6T>A on transcript NM_001918.5 (MANE Select); coding-DNA position 6, T replaced by A.
Protein change: p.Ala2=; no amino-acid change (alanine 2 retained).
Molecular consequence: synonymous variant.
Genome position (GRCh38, 1-based): chr1:100,249,815, A>T on the plus strand (T>A on the coding strand, the complement: DBT is on the minus strand). VCF-style: chr1-100249815-A-T. GRCh37 (hg19) VCF-style: chr1-100715371-A-T.
Identifiers: ClinVar variation 510536 (VCV000510536.8), dbSNP rs1240475402, ClinGen allele CA419106617.

ClinVar aggregate classification (germline): Likely benign. Review status: criteria provided, multiple submitters, no conflicts (2 of 4 stars). 3 submissions from 3 submitters: Likely benign (3). Last evaluated 2026-01-25.

Conditions:
Maple syrup urine disease (MSUD). Identifiers: Orphanet 511, MedGen C0024776, MeSH D008375, MONDO:0009563. Disease mechanism: loss of function.

Allele frequency attached by ClinVar (database versions not stated): gnomAD exomes below 0.00001; TOPMed 0.00001.
gnomAD v4.1: 2 of 1,614,200 alleles (0.00012%); highest among the groups gnomAD compares: Non-Finnish European, 0.00017%; no homozygotes.

Submissions (3):

Labcorp Genetics (formerly Invitae), Labcorp
Classification: Likely benign for Maple syrup urine disease. Last evaluated: 2026-01-25. Review status: criteria provided, single submitter. Criteria: Invitae Variant Classification Sherloc (09022015). Collection method: clinical testing. Allele origin: germline.

Genome-Nilou Lab
Classification: Likely benign for Maple syrup urine disease type 1A. Last evaluated: 2023-04-11. Review status: criteria provided, single submitter. Criteria: ACMG Guidelines, 2015. Collection method: clinical testing. Allele origin: germline. Affected: no.

GeneDx
Classification: Likely benign. Last evaluated: 2017-06-26. Review status: criteria provided, single submitter. Criteria: GeneDx Variant Classification (06012015). Collection method: clinical testing. Allele origin: germline. Affected: yes.
Comment: This variant is considered likely benign or benign based on one or more of the following criteria: it is a conservative change, it occurs at a poorly conserved position in the protein, it is predicted to be benign by multiple in silico algorithms, and/or has population frequency not consistent with disease.